The following is an entry in ClinVar:

ClinVar aggregate classification (germline): Uncertain significance (1 of 4 stars; one submission).

Submission:

Labcorp Genetics (formerly Invitae), Labcorp
Classification: Uncertain significance. Last evaluated: 2024-06-08. Review status: criteria provided, single submitter. Criteria: Invitae Variant Classification Sherloc (09022015). Collection method: clinical testing. Allele origin: germline.
Comment: This sequence change replaces leucine, which is neutral and non-polar, with methionine, which is neutral and non-polar, at codon 498 of the SPEG protein (p.Leu498Met). This variant is not present in population databases (gnomAD no frequency). This variant has not been reported in the literature in individuals affected with SPEG-related conditions. An algorithm developed to predict the effect of missense changes on protein structure and function (PolyPhen-2) suggests that this variant is likely to be disruptive. In summary, the available evidence is currently insufficient to determine the role of this variant in disease. Therefore, it has been classified as a Variant of Uncertain Significance.

NM_005876.5(SPEG):c.1492C>A (p.Leu498Met)

Gene: SPEG (striated muscle enriched protein kinase; plus strand). Cytogenetic location: 2q35.
Variant type: single nucleotide variant.
Coding change: c.1492C>A on transcript NM_005876.5 (MANE Select); coding-DNA position 1492, C replaced by A.
Protein change: p.Leu498Met; replaces leucine 498 with methionine.
Molecular consequence: missense variant.
Genome position (GRCh38, 1-based): chr2:219,448,650, C>A. VCF-style: chr2-219448650-C-A. GRCh37 (hg19) VCF-style: chr2-220313372-C-A.
Other names: short protein forms L498M.
Identifiers: ClinVar variation 3694257 (VCV003694257.2).
Genomic context (GRCh38, chr2:219,448,650, plus strand): 5'-GACGAGCGCACGCGTCAGCGCAGCCCGGCCTCAGACCTCGAGCTGCGCTTCGCCCAGGAG[C>A]TGGGCCGCATCCGCCGCTCCACGTCGCGGGAGGAGCTGGTGCGCTCGCACGAGTCCCTGC-3'
Protein context (NP_005867.3, residues 488-508): SDLELRFAQE[Leu498Met]GRIRRSTSRE